The following is an entry in ClinVar:

ClinVar aggregate classification (germline): Likely pathogenic. Review status: criteria provided, multiple submitters, no conflicts (2 of 4 stars). 2 submissions from 2 submitters: Likely pathogenic (2). Last evaluated 2026-07-30.

Conditions:
Intellectual developmental disorder, autosomal dominant 38. Also called: PSYCHOMOTOR RETARDATION, EPILEPSY, AND LANGUAGE DISABILITY SYNDROME; Intellectual disability, autosomal dominant 38. Identifiers: MedGen C4225343, MONDO:0014617, OMIM 616393.

Submissions (2):

Institute of Human Genetics, University of Leipzig Medical Center
Classification: Likely pathogenic for Intellectual developmental disorder, autosomal dominant 38. Last evaluated: 2026-07-30. Review status: criteria provided, single submitter. Criteria: ACMG Guidelines, 2015. Collection method: clinical testing. Allele origin: unknown. Inheritance: Autosomal dominant inheritance. Affected: yes.
Comment: Criteria applied: PS4_MOD,PM5,PM2_SUP,PP2,PP3

3billion
Classification: Likely pathogenic for Intellectual developmental disorder, autosomal dominant 38. Last evaluated: 2023-08-01. Review status: criteria provided, single submitter. Criteria: ACMG Guidelines, 2015. Collection method: clinical testing. Allele origin: germline. Affected: yes.
Comment: The variant is observed at an extremely low frequency in the gnomAD v2.1.1 dataset (total allele frequency: 0.000%). Predicted Consequence/Location: Missense changes are a common disease-causing mechanism. In silico tool predictions suggest damaging effect of the variant on gene or gene product (REVEL: 0.69; 3Cnet: 0.55). A different missense change at the same codon (p.Arg266Trp) has been reported as pathogenic/likely pathogenic with strong evidence (ClinVar ID: VCV000449242). Therefore, this variant is classified as Likely pathogenic according to the recommendation of ACMG/AMP guideline.

NM_001958.5(EEF1A2):c.797G>A (p.Arg266Gln)

Gene: EEF1A2 (eukaryotic translation elongation factor 1 alpha 2; minus strand). Cytogenetic location: 20q13.33.
Variant type: single nucleotide variant.
Coding change: c.797G>A on transcript NM_001958.5 (MANE Select); coding-DNA position 797, G replaced by A.
Protein change: p.Arg266Gln; replaces arginine 266 with glutamine.
Molecular consequence: missense variant.
Genome position (GRCh38, 1-based): chr20:63,490,711, C>T on the plus strand (G>A on the coding strand, the complement: EEF1A2 is on the minus strand). VCF-style: chr20-63490711-C-T. GRCh37 (hg19) VCF-style: chr20-62122064-C-T.
Other names: short protein forms R266Q.
Identifiers: ClinVar variation 3775659 (VCV003775659.2).
Genomic context (GRCh38, chr20:63,490,711, plus strand): 5'-GTGATGTTCACTGGCGCAAAGGTCACCACCATGCCCGGCCGCAGGATGCCGGTCTCCACC[C>T]GGCCCACGGGCACCGTGCCAATGCCTGCAGAGGGGAGGGGGTGTGAGGGGAAGGTGGGGC-3'
Protein context (NP_001949.1, residues 256-276): IGGIGTVPVG[Arg266Gln]VETGILRPGM